The following is an entry in ClinVar:

NM_001267550.2(TTN):c.75354del (p.Asp25119fs)

Genes: TTN (titin; minus strand), TTN-AS1 (TTN antisense RNA 1; plus strand). Cytogenetic location: 2q31.2.
Variant type: Deletion.
Coding change: c.75354del on transcript NM_001267550.2 (MANE Select); coding-DNA position 75354, one base deleted (A; older notation c.75354delA).
Protein change: p.Asp25119fs; shifts the reading frame from aspartic acid 25119.
Molecular consequence: frameshift variant.
Genome position (GRCh38, 1-based): chr2:178,570,778, T deleted on the plus strand (A on the coding strand, the reverse complement: TTN is on the minus strand); the first of 3 consecutive T bases (chr2:178,570,778-178,570,780); deleting any one gives the same sequence. VCF-style (leftmost placement, unchanged base first): chr2-178570777-CT-C. GRCh37 (hg19) VCF-style: chr2-179435504-CT-C.
Other names: c.70431del, p.Asp23478fs (NM_001256850.1); c.48159del, p.Asp16054fs (NM_003319.4); c.67650del, p.Asp22551fs (NM_133378.4); c.48534del, p.Asp16179fs (NM_133432.3); c.48735del, p.Asp16246fs (NM_133437.4); c.75354delA (NM_001267550.2); short protein forms D22551fs, D16246fs, D23478fs, D25119fs, D16054fs, D16179fs.
Identifiers: ClinVar variation 573156 (VCV000573156.7), dbSNP rs1559394355, ClinGen allele CA891842714.

ClinVar aggregate classification (germline): Likely pathogenic (1 of 4 stars; one submission).

Conditions:
Dilated cardiomyopathy 1G (CMD1G). Identifiers: Orphanet 154, MedGen C1858763, MONDO:0011400, OMIM 604145.
Autosomal recessive limb-girdle muscular dystrophy type 2J (LGMDR10). Also called: Limb-girdle muscular dystrophy, type 2J; MUSCULAR DYSTROPHY, LIMB-GIRDLE, AUTOSOMAL RECESSIVE 10. Identifiers: Orphanet 140922, MedGen C1837342, MONDO:0012127, OMIM 608807.

Submission:

Labcorp Genetics (formerly Invitae), Labcorp
Classification: Likely pathogenic for Dilated cardiomyopathy 1G; Autosomal recessive limb-girdle muscular dystrophy type 2J. Last evaluated: 2023-11-17. Review status: criteria provided, single submitter. Criteria: Invitae Variant Classification Sherloc (09022015). Collection method: clinical testing. Allele origin: germline.
Comment: This sequence change creates a premature translational stop signal (p.Asp25119Thrfs*28) in the TTN gene. While this is not anticipated to result in nonsense mediated decay, it is expected to create a truncated TTN protein. This variant is not present in population databases (gnomAD no frequency). This premature translational stop signal has been observed in individual(s) with dilated cardiomyopathy (Invitae). ClinVar contains an entry for this variant (Variation ID: 573156). This variant is located in the A band of TTN (PMID: 25589632). Truncating variants in this region are significantly overrepresented in patients affected with dilated cardiomyopathy (PMID: 25589632). Truncating variants in this region have also been reported in individuals affected with autosomal recessive centronuclear myopathy (PMID: 23975875). In summary, the currently available evidence indicates that the variant is pathogenic, but additional data are needed to prove that conclusively. Therefore, this variant has been classified as Likely Pathogenic.

Literature cited by the submitters: PubMed 25589632; PubMed 23975875.